The following is an entry in ClinVar:

ClinVar aggregate classification (germline): Conflicting classifications of pathogenicity. Review status: criteria provided, conflicting classifications (1 of 4 stars). 3 submissions from 3 submitters: Uncertain significance (2); Likely benign (1). Last evaluated 2025-05-27.

Conditions:
Acute myeloid leukemia (AML). Also called: Acute myeloid leukemia, adult; AML adult; Acute non-lymphocytic leukemia; Acute granulocytic leukemia; Leukemia, acute myeloid, somatic; Leukemia, acute myelogenous, somatic. Identifiers: Orphanet 519, MedGen C0023467, MeSH D015470, MONDO:0018874, OMIM 601626, HP:0004808. Disease mechanism: Constitutively activated FLT3.
Inborn genetic diseases. Identifiers: MedGen C0950123, MeSH D030342.

Allele frequency attached by ClinVar (database versions not stated): gnomAD 0.00001; 1000 Genomes Project 30x 0.00016.
gnomAD v4.1: 5 of 1,284,290 alleles (0.00039%); highest among the groups gnomAD compares: South Asian, 0.0079%; no homozygotes.

Submissions (3):

Ambry Genetics
Classification: Likely benign for Inborn genetic diseases. Last evaluated: 2025-05-27. Review status: criteria provided, single submitter. Criteria: Ambry Variant Classification Scheme 2023. Collection method: clinical testing. Allele origin: germline.

GeneDx
Classification: Uncertain significance. Last evaluated: 2023-10-23. Review status: criteria provided, single submitter. Criteria: GeneDx Variant Classification Process June 2021. Collection method: clinical testing. Allele origin: germline. Affected: yes.
Comment: Not observed at significant frequency in large population cohorts (gnomAD); In silico analysis supports that this missense variant does not alter protein structure/function; Has not been previously published as pathogenic or benign to our knowledge; This variant is associated with the following publications: (PMID: 21455213)

Labcorp Genetics (formerly Invitae), Labcorp
Classification: Uncertain significance for Acute myeloid leukemia. Last evaluated: 2023-02-05. Review status: criteria provided, single submitter. Criteria: Invitae Variant Classification Sherloc (09022015). Collection method: clinical testing. Allele origin: germline.
Comment: In summary, the available evidence is currently insufficient to determine the role of this variant in disease. Therefore, it has been classified as a Variant of Uncertain Significance. Advanced modeling of protein sequence and biophysical properties (such as structural, functional, and spatial information, amino acid conservation, physicochemical variation, residue mobility, and thermodynamic stability) performed at Invitae indicates that this missense variant is not expected to disrupt CEBPA protein function. This variant has not been reported in the literature in individuals affected with CEBPA-related conditions. The frequency data for this variant in the population databases is considered unreliable, as metrics indicate poor data quality at this position in the gnomAD database. This sequence change replaces alanine, which is neutral and non-polar, with threonine, which is neutral and polar, at codon 170 of the CEBPA protein (p.Ala170Thr).

NM_004364.5(CEBPA):c.508G>A (p.Ala170Thr)

Gene: CEBPA (CCAAT enhancer binding protein alpha; minus strand). Cytogenetic location: 19q13.11.
Variant type: single nucleotide variant.
Coding change: c.508G>A on transcript NM_004364.5 (MANE Select); coding-DNA position 508, G replaced by A.
Protein change: p.Ala170Thr; replaces alanine 170 with threonine.
Molecular consequence: missense variant.
Genome position (GRCh38, 1-based): chr19:33,301,907, C>T on the plus strand (G>A on the coding strand, the complement: CEBPA is on the minus strand). VCF-style: chr19-33301907-C-T. GRCh37 (hg19) VCF-style: chr19-33792813-C-T.
Other names: c.151G>A, p.Ala51Thr (NM_001285829.2); c.613G>A, p.Ala205Thr (NM_001287424.2); c.466G>A, p.Ala156Thr (NM_001287435.2); short protein forms A170T, A205T, A156T, A51T.
Identifiers: ClinVar variation 2919945 (VCV002919945.5), dbSNP rs1206396303, ClinGen allele CA405274800.
Genomic context (GRCh38, chr19:33,301,907, plus strand): 5'-AGGGCGGCGGCGGCGGCGGCGGCTGGTAAGGGAAGAGGCCGGCCAGCGCCAGCTGCTTGG[C>T]TTCATCCTCCTCGCGGGGCTCCTGCTTGATCACCAGCGGCCGCAGCGCCGGCGCCCCGAC-3'
Protein context (NP_004355.2, residues 160-180): IKQEPREEDE[Ala170Thr]KQLALAGLFP